The following is an entry in ClinVar:

ClinVar aggregate classification (germline): Likely benign. Review status: criteria provided, multiple submitters, no conflicts (2 of 4 stars). 3 submissions from 3 submitters: Likely benign (3). Last evaluated 2025-03-23.

Conditions:
Developmental and epileptic encephalopathy, 12 (DEE12). Identifiers: MedGen C3150988, MONDO:0013389, OMIM 613722.
Inborn genetic diseases. Identifiers: MedGen C0950123, MeSH D030342.

Allele frequency attached by ClinVar (database versions not stated): gnomAD exomes 0.00001 and 0.00003; ExAC 0.00005; gnomAD 0.00007; TOPMed 0.00013; ESP Exome Variant Server 0.00015; 1000 Genomes Project 0.00020; 1000 Genomes Project 30x 0.00031.
gnomAD v4.1: 19 of 1,613,974 alleles (0.0012%); highest among the groups gnomAD compares: African/African-American, 0.021%; no homozygotes.

Submissions (3):

Labcorp Genetics (formerly Invitae), Labcorp
Classification: Likely benign for Developmental and epileptic encephalopathy, 12. Last evaluated: 2025-03-23. Review status: criteria provided, single submitter. Criteria: Invitae Variant Classification Sherloc (09022015). Collection method: clinical testing. Allele origin: germline.

Ambry Genetics
Classification: Likely benign for Inborn genetic diseases. Last evaluated: 2019-12-23. Review status: criteria provided, single submitter. Criteria: Ambry Variant Classification Scheme 2023. Collection method: clinical testing. Allele origin: germline.

GeneDx
Classification: Likely benign. Last evaluated: 2016-02-01. Review status: criteria provided, single submitter. Criteria: GeneDx Variant Classification (06012015). Collection method: clinical testing. Allele origin: germline. Affected: yes.
Comment: This variant is considered likely benign or benign based on one or more of the following criteria: it is a conservative change, it occurs at a poorly conserved position in the protein, it is predicted to be benign by multiple in silico algorithms, and/or has population frequency not consistent with disease.

NM_007254.4(PNKP):c.1515A>G (p.Leu505=)

Gene: PNKP (polynucleotide kinase 3'-phosphatase; minus strand). Cytogenetic location: 19q13.33.
Variant type: single nucleotide variant.
Coding change: c.1515A>G on transcript NM_007254.4 (MANE Select); coding-DNA position 1515, A replaced by G.
Protein change: p.Leu505=; no amino-acid change (leucine 505 retained).
Molecular consequence: synonymous variant.
Genome position (GRCh38, 1-based): chr19:49,861,299, T>C on the plus strand (A>G on the coding strand, the complement: PNKP is on the minus strand). VCF-style: chr19-49861299-T-C. GRCh37 (hg19) VCF-style: chr19-50364556-T-C.
Identifiers: ClinVar variation 383164 (VCV000383164.12), dbSNP rs369748873, ClinGen allele CA9586320.
Genomic context (GRCh38, chr19:49,861,299, plus strand): 5'-GGGCGGGGCTCAGCCCTCGGAGAACTGGCAGTACAGCCGCCCCAGCCTCGGCTCCACCCA[T>C]AGCCGGAACGGGATCTCCAGGATGGCAGAGAAGCCTTCAGCCAGCGTTGGGGCCTCGAAC-3'
Protein context (NP_009185.2, residues 495-515): FSAILEIPFR[Leu505=]WVEPRLGRLY